The following is an entry in ClinVar:

ClinVar aggregate classification (germline): Uncertain significance (1 of 4 stars; one submission).

Conditions:
Bifunctional peroxisomal enzyme deficiency (DBIF). Also called: DBP DEFICIENCY; PBFE DEFICIENCY; D-bifunctional protein deficiency. Identifiers: Orphanet 300, MedGen C0342870, MONDO:0009855, OMIM 261515. Disease mechanism: loss of function.
Perrault syndrome. Also called: Gonadal dysgenesis with auditory dysfunction, autosomal recessive inheritance. Identifiers: Orphanet 2855, MedGen C0685838, MONDO:0017312.

Allele frequency attached by ClinVar (database versions not stated): gnomAD exomes below 0.00001.
gnomAD v4.1: 1 of 1,607,492 alleles (0.000062%); highest among the groups gnomAD compares: Admixed American, 0.0017%; no homozygotes.

Submission:

Labcorp Genetics (formerly Invitae), Labcorp
Classification: Uncertain significance for Perrault syndrome; Bifunctional peroxisomal enzyme deficiency. Last evaluated: 2023-08-17. Review status: criteria provided, single submitter. Criteria: Invitae Variant Classification Sherloc (09022015). Collection method: clinical testing. Allele origin: germline.
Comment: In summary, the available evidence is currently insufficient to determine the role of this variant in disease. Therefore, it has been classified as a Variant of Uncertain Significance. Advanced modeling of protein sequence and biophysical properties (such as structural, functional, and spatial information, amino acid conservation, physicochemical variation, residue mobility, and thermodynamic stability) performed at Invitae indicates that this missense variant is not expected to disrupt HSD17B4 protein function. ClinVar contains an entry for this variant (Variation ID: 1399380). This variant has not been reported in the literature in individuals affected with HSD17B4-related conditions. This variant is present in population databases (no rsID available, gnomAD 0.003%). This sequence change replaces arginine, which is basic and polar, with glycine, which is neutral and non-polar, at codon 121 of the HSD17B4 protein (p.Arg121Gly).

NM_000414.4(HSD17B4):c.361A>G (p.Arg121Gly)

Gene: HSD17B4 (hydroxysteroid 17-beta dehydrogenase 4; plus strand). Cytogenetic location: 5q23.1.
Variant type: single nucleotide variant.
Coding change: c.361A>G on transcript NM_000414.4 (MANE Select); coding-DNA position 361, A replaced by G.
Protein change: p.Arg121Gly; replaces arginine 121 with glycine.
Molecular consequence: missense variant. On other transcripts: 5 prime UTR variant (5), non-coding transcript variant (2).
Genome position (GRCh38, 1-based): chr5:119,477,428, A>G. VCF-style: chr5-119477428-A-G. GRCh37 (hg19) VCF-style: chr5-118813123-A-G.
Other names: c.436A>G, p.Arg146Gly (NM_001199291.3); c.307A>G, p.Arg103Gly (NM_001199292.2); c.289A>G, p.Arg97Gly (NM_001292027.2); c.-51A>G (NM_001292028.2, NM_001374501.1, NM_001374502.1 and 1 more transcripts); c.361A>G, p.Arg121Gly (NM_001374497.1, NM_001374498.1); c.34A>G, p.Arg12Gly (NM_001374499.1); c.-178A>G (NM_001374500.1); short protein forms R103G, R121G, R97G, R12G, R146G.
Identifiers: ClinVar variation 1399380 (VCV001399380.6), dbSNP rs1455328824, ClinGen allele CA360865062.